The following is an entry in ClinVar:

NM_000350.3(ABCA4):c.6079C>T (p.Leu2027Phe)

Gene: ABCA4 (ATP binding cassette subfamily A member 4; minus strand). Cytogenetic location: 1p22.1.
Variant type: single nucleotide variant.
Coding change: c.6079C>T on transcript NM_000350.3 (MANE Select); coding-DNA position 6079, C replaced by T.
Protein change: p.Leu2027Phe; replaces leucine 2027 with phenylalanine.
Molecular consequence: missense variant.
Genome position (GRCh38, 1-based): chr1:94,005,509, G>A on the plus strand (C>T on the coding strand, the complement: ABCA4 is on the minus strand). VCF-style: chr1-94005509-G-A. GRCh37 (hg19) VCF-style: chr1-94471065-G-A.
Other names: c.5857C>T, p.Leu1953Phe (NM_001425324.1); short protein forms L2027F, L1953F.
Identifiers: ClinVar variation 7882 (VCV000007882.80), dbSNP rs61751408, ClinGen allele CA119129.
Genomic context (GRCh38, chr1:94,005,509, plus strand): 5'-TTTCTTCTGCTGGTACACCTCGAAGCCGGGCATAAAGGTAAAGATGTTCTCGTCCTGTGA[G>A]CAGCTCATCAATTGCATCAAACTGAGGACAGTAGCCCATATTTTGATGGACTTCAGAAAT-3'
Protein context (NP_000341.2, residues 2017-2037): CPQFDAIDEL[Leu2027Phe]TGREHLYLYA

ClinVar aggregate classification (germline): Pathogenic/Likely pathogenic. Review status: criteria provided, multiple submitters, no conflicts (2 of 4 stars). 24 submissions from 21 submitters: Pathogenic (19); Likely pathogenic (1). 4 of the submissions do not count toward it. Last evaluated 2026-08-07.

Conditions:
ABCA4-related disorder. Also called: ABCA4-related condition; ABCA4-related disorders. Identifiers: MedGen CN239167.
Retinal dystrophy. Also called: Inherited retinal dystrophy. Identifiers: Orphanet 71862, MedGen C0854723, MeSH D058499, MONDO:0019118, HP:0000556.
Cone-rod dystrophy 3 (CORD3). Identifiers: Orphanet 1872, MedGen C1858806, MONDO:0011395, OMIM 604116.
Age related macular degeneration 2. Also called: MACULAR DEGENERATION, SENILE; MACULOPATHY, AGE-RELATED, 2; MACULOPATHY, AGE-RELATED. Identifiers: MedGen C3495438, MONDO:0007932, OMIM 153800.
Retinitis pigmentosa 19 (RP19). Also called: ABCA4-Related Retinitis Pigmentosa. Identifiers: Orphanet 791, MedGen C1866422, MONDO:0011137, OMIM 601718.
Severe early-childhood-onset retinal dystrophy (STGD1). Also called: Stargardt macular dystrophy; Juvenile onset macular degeneration; Stargardt disease 1; MACULAR DYSTROPHY WITH FLECKS, TYPE 1; STGD. Identifiers: Orphanet 364055, Orphanet 827, MedGen C1855465, MeSH D000080362, MONDO:0009549, OMIM 248200.
Stargardt disease (FFM). Also called: Stargardt's disease; Fundus flavimaculatus. Identifiers: Orphanet 827, MedGen C0271093, MONDO:0019353.
Retinal disorder. Also called: Retinopathies; Retinal Diseases; Retinal disorders; Retinopathy. Identifiers: MedGen C0035309, MONDO:0005283, HP:0000488.

Allele frequency attached by ClinVar (database versions not stated): 1000 Genomes Project 30x 0.00016; gnomAD 0.00018; 1000 Genomes Project 0.00020; gnomAD exomes 0.00020 and 0.00051; ExAC 0.00021; TOPMed 0.00022.
gnomAD v4.1: 757 of 1,614,112 alleles (0.047%); highest among the groups gnomAD compares: Non-Finnish European, 0.061%; no homozygotes.

Submissions 1 to 9 of 24:

PreventionGenetics, part of Exact Sciences
Classification: Pathogenic for ABCA4-related condition. Last evaluated: 2026-08-07. Review status: criteria provided, single submitter. Criteria: ACMG Guidelines, 2015. Collection method: clinical testing. Allele origin: germline.
Comment: The ABCA4 c.6079C>T variant is predicted to result in the amino acid substitution p.Leu2027Phe. This variant has been reported in the compound heterozygous and homozygous states in individuals with retinal disease (for example: Table S1, Stone et al. 2017. PubMed ID: 28559085; Lynn et al. 2023. PubMed ID: 36672815; Table S1, Lin et al. 2024. PubMed ID: 38219857). This missense variant is predicted to be damaging to the encoded protein (REVEL score >0.773, Ioannidis et al. 2016. PubMed ID: 27666373), and functional studies indicate that this variant impacts protein function (Garces et al. 2018. PubMed ID: 29847635; Curtis et al. 2020. PubMed ID: 32845050; Biswas et al. 2000. PubMed ID: 11123914). This variant is present in 0.035% of alleles in individuals of European (Non-Finnish) descent in gnomAD, and a study of the frequency of this variant in affected individuals versus the general population has classified this variant as having moderate severity (Table S2A, Cornelis et al. 2022. PubMed ID: 35120629). This variant is interpreted as pathogenic.

Labcorp Genetics (formerly Invitae), Labcorp
Classification: Pathogenic. Last evaluated: 2026-01-29. Review status: criteria provided, single submitter. Criteria: Invitae Variant Classification Sherloc (09022015). Collection method: clinical testing. Allele origin: germline.
Comment: This sequence change replaces leucine, which is neutral and non-polar, with phenylalanine, which is neutral and non-polar, at codon 2027 of the ABCA4 protein (p.Leu2027Phe). This variant is present in population databases (rs61751408, gnomAD 0.03%). This missense change has been observed in individuals with Stargardt disease (PMID: 28559085). It has also been observed to segregate with disease in related individuals. ClinVar contains an entry for this variant (Variation ID: 7882). Invitae Evidence Modeling of protein sequence and biophysical properties (such as structural, functional, and spatial information, amino acid conservation, physicochemical variation, residue mobility, and thermodynamic stability) indicates that this missense variant is expected to disrupt ABCA4 protein function with a positive predictive value of 95%. Experimental studies have shown that this missense change affects ABCA4 function (PMID: 29847635). For these reasons, this variant has been classified as Pathogenic.

3billion
Classification: Pathogenic for ABCA4-related disorder. Last evaluated: 2026-01-12. Review status: criteria provided, single submitter. Criteria: ACMG Guidelines, 2015. Collection method: clinical testing. Allele origin: germline. Affected: yes.
Comment: The variant is observed at an extremely low frequency in the gnomAD v4.1.0 dataset (total allele frequency: 0.047%). Predicted Consequence/Location: Missense variant In silico tool predictions suggest damaging effect of the variant on gene or gene product [REVEL: 0.95 (>=0.6, sensitivity 0.68 and specificity 0.92); 3Cnet: 0.80 (> 0.75, sensitivity 0.96 and precision 0.92)]. The same nucleotide change resulting in the same amino acid change has been previously reported as pathogenic/likely pathogenic with strong evidence (ClinVar ID: VCV000007882 /PMID: 9054934 /3billion dataset). The variant has been reported to be in trans with a pathogenic variant as either compound heterozygous or homozygous in at least 2 similarly affected unrelated individuals (PMID: 34946930, 35076026, 35119454, 35456422). Therefore, this variant is classified as Pathogenic according to the recommendation of ACMG/AMP guideline.

Genetics Laboratory, Great Ormond Street Hospital NHS Foundation Trust, North Thames Genomic Laboratory Hub
Classification: Pathogenic for Retinal disorders. Last evaluated: 2025-12-31. Review status: criteria provided, single submitter. Criteria: ACGS Best Practice Guidelines for Variant Classification in Rare Disease 2024 v1.2. Collection method: clinical testing. Allele origin: germline. Affected: yes.
Comment: PP3_supporting, PS3_moderate, PM3_very-strong

Variantyx, Inc.
Classification: Pathogenic for Severe early-childhood-onset retinal dystrophy. Last evaluated: 2025-08-20. Review status: criteria provided, single submitter. Criteria: Variantyx Assertion Criteria 2022. Collection method: clinical testing. Allele origin: germline. Inheritance: Autosomal recessive inheritance. Affected: no.
Comment: This is a nonsynonymous variant in the ABCA4 gene (OMIM: 601691). Pathogenic variants in this gene have been associated with autosomal recessive ABCA4-related disorders. This variant has been identified in the homozygous or compound heterozygous state in multiple individuals reported in the published literature (PMID:33546218, 23695285) (PM3). Functional studies have shown that this variant alters ABCA4 protein function (PMID: 32845050, 11123914, 29847635) (PS3) and multiple computational algorithms predict a deleterious effect for this variant (REVEL score: 0.952) (PP3). This variant has a 0.0611% maximum allele frequency in non-founder control populations (PM2). Based on the current evidence, this variant is classified as pathogenic for autosomal recessive ABCA4-related disorders.

Blueprint Genetics
Classification: Pathogenic for ABCA4-related disorders. Last evaluated: 2024-10-30. Review status: criteria provided, single submitter. Criteria: ACMG Guidelines, 2015. Collection method: clinical testing. Allele origin: de novo. Affected: yes. Observed: 5 variant alleles.

Molecular Genetics, Royal Melbourne Hospital
Classification: Pathogenic for Severe early-childhood-onset retinal dystrophy. Last evaluated: 2023-03-30. Review status: criteria provided, single submitter. Criteria: ACMG Guidelines, 2015. Collection method: clinical testing. Allele origin: germline. Affected: yes.
Comment: This sequence change is predicted to replace leucine with phenylalanine at codon 2027 of the ABCA4 protein (p.Leu2027Phe). The leucine residue is highly conserved (100 vertebrates, UCSC), and located in the cytoplasmic ATP-binding cassette (ABC) transporter 2 domain. There is a small physicochemical difference between leucine and phenylalanine. The variant is present in a large population cohort at a frequency of 0.02%, which is consistent with recessive carrier frequency (rs61751408, 56/282,804 alleles, 0 homozygotes in gnomAD v2.1.1 - PM2). It is a recurrent variant that has been identified as compound heterozygous or homozygous in multiple Stargardt disease patients, with homozygous cases demonstrating a milder phenotype (PMID: 9054934, 23695285, 23769331 - PM3_VeryStrong). The missense change significantly reduces the ATPase function of the ABC transporter domain in multiple in vitro functional assays (PMID: 11017087, 11123914 - PS3). Multiple lines of computational evidence predict a deleterious effect for the missense substitution (7/7 algorithms - PP3). Based on the classification scheme RMH ACMG Guidelines v1.1.1, this variant is classified as PATHOGENIC. Following criteria are met: PM3_VeryStrong, PS3, PM2, PP3.

Institute of Human Genetics, Univ. Regensburg, Univ. Regensburg
Classification: Pathogenic for Retinal dystrophy. Last evaluated: 2023-01-01. Review status: criteria provided, single submitter. Criteria: ACMG Guidelines, 2015. Collection method: clinical testing. Allele origin: germline. Affected: yes.

GeneDx
Classification: Pathogenic. Last evaluated: 2022-09-29. Review status: criteria provided, single submitter. Criteria: GeneDx Variant Classification Process June 2021. Collection method: clinical testing. Allele origin: germline. Affected: yes.
Comment: Published functional studies demonstrate a damaging effect with decreased ATPase function of the protein, reduced expression compared to wild-type, and abnormal localization to the endoplasmic reticulum (Biswas et al., 2000; Garces et al., 2018); In silico analysis supports that this missense variant has a deleterious effect on protein structure/function; This variant is associated with the following publications: (PMID: 9666097, 11527935, 11702214, 29884405, 29701254, 29310964, 31429209, 32531858, 33706644, 34795310, 34946930, 35456422, 23695285, 19074458, 24713488, 14517951, 9973280, 11328725, 11726554, 10396622, 10090887, 15161829, 29555955, 29847635, 30609409, 30093795, 30060493, 29126757, 30563929, 27820952, 28559085, 32845050, 9054934, 31589614, 32810830, 33546218, 11123914, 29925512)